The following is an entry in ClinVar:

ClinVar aggregate classification (germline): Benign/Likely benign. Review status: criteria provided, multiple submitters, no conflicts (2 of 4 stars). 5 submissions from 5 submitters: Benign (2); Likely benign (3). Last evaluated 2025-11-18.

Conditions:
Hereditary cancer-predisposing syndrome. Also called: Tumor predisposition; Neoplastic Syndromes, Hereditary; Hereditary Cancer Syndrome; Hereditary neoplastic syndrome. Identifiers: Orphanet 140162, MedGen C0027672, MeSH D009386, MONDO:0015356.
Tuberous sclerosis syndrome (TSC). Also called: Tuberous Sclerosis Complex; Tuberous sclerosis. Identifiers: Orphanet 805, MedGen C0041341, MONDO:0001734.
Tuberous sclerosis 2 (TSC2). Identifiers: Orphanet 805, MedGen C1860707, MONDO:0013199, OMIM 613254.

gnomAD v4.1: 1 of 1,608,374 alleles (0.000062%); highest among the groups gnomAD compares: Non-Finnish European, 0.000085%; no homozygotes.

Submissions (5):

Labcorp Genetics (formerly Invitae), Labcorp
Classification: Likely benign for Tuberous sclerosis 2. Last evaluated: 2025-11-18. Review status: criteria provided, single submitter. Criteria: Invitae Variant Classification Sherloc (09022015). Collection method: clinical testing. Allele origin: germline.

Myriad Genetics, Inc.
Classification: Benign for Tuberous sclerosis 2. Last evaluated: 2025-06-03. Review status: criteria provided, single submitter. Criteria: Myriad Autosomal Dominant, Autosomal Recessive and X-Linked Classification Criteria (2023). Collection method: clinical testing. Allele origin: unknown.
Comment: This variant is considered benign. This variant is a silent/synonymous amino acid change and it is not expected to impact splicing.

All of Us Research Program, National Institutes of Health
Classification: Likely benign for Tuberous sclerosis syndrome. Last evaluated: 2024-07-20. Review status: criteria provided, single submitter. Criteria: ACMG Guidelines, 2015. Collection method: clinical testing. Allele origin: germline. Inheritance: Autosomal dominant inheritance. Observed: 1 variant allele, 1 heterozygote.
Comment: This study involves interpretation of variants in research participants for the purpose of population health screening. Participant phenotype was not available at the time of variant classification. Additional details can be found in publication PMID: 35346344, PMCID: PMC8962531

Genome-Nilou Lab
Classification: Benign for Tuberous sclerosis 2. Last evaluated: 2021-11-07. Review status: criteria provided, single submitter. Criteria: ACMG Guidelines, 2015. Collection method: clinical testing. Allele origin: germline. Affected: no.

Ambry Genetics
Classification: Likely benign for Hereditary cancer-predisposing syndrome. Last evaluated: 2019-10-24. Review status: criteria provided, single submitter. Criteria: Ambry Variant Classification Scheme 2023. Collection method: clinical testing. Allele origin: germline.

NM_000548.5(TSC2):c.4341C>T (p.Ser1447=)

Gene: TSC2 (TSC complex subunit 2; plus strand). Cytogenetic location: 16p13.3.
Variant type: single nucleotide variant.
Coding change: c.4341C>T on transcript NM_000548.5 (MANE Select); coding-DNA position 4341, C replaced by T.
Protein change: p.Ser1447=; no amino-acid change (serine 1447 retained).
Molecular consequence: synonymous variant.
Genome position (GRCh38, 1-based): chr16:2,084,563, C>T. VCF-style: chr16-2084563-C-T. GRCh37 (hg19) VCF-style: chr16-2134564-C-T.
Other names: c.4140C>T, p.Ser1380= (NM_001077183.3); c.4272C>T, p.Ser1424= (NM_001114382.3); c.4032C>T, p.Ser1344= (NM_001318827.2); c.3996C>T, p.Ser1332= (NM_001318829.2); c.3609C>T, p.Ser1203= (NM_001318831.2); c.4173C>T, p.Ser1391= (NM_001318832.2); c.4143C>T, p.Ser1381= (NM_001363528.2); c.4209C>T, p.Ser1403= (NM_001370404.1); and 1 more.
Identifiers: ClinVar variation 413735 (VCV000413735.20), dbSNP rs1060504117, ClinGen allele CA16614752.
Genomic context (GRCh38, chr16:2,084,563, plus strand): 5'-TGCTGCCTGGTCGGCCTCGGGCGAAGACAGTCGGGGCCAGCCCGAGGGTCCCTTGCCTTC[C>T]AGCTCCCCCCGCTCGCCCAGTGGCCTCCGGCCCCGAGGTTACACCATCTCCGACTCGGCC-3'
Protein context (NP_000539.2, residues 1437-1457): SRGQPEGPLP[Ser1447=]SSPRSPSGLR